The following is an entry in ClinVar:

NM_016222.4(DDX41):c.967C>A (p.Arg323Ser)

Gene: DDX41 (DEAD-box helicase 41; minus strand). Cytogenetic location: 5q35.3.
Variant type: single nucleotide variant.
Coding change: c.967C>A on transcript NM_016222.4 (MANE Select); coding-DNA position 967, C replaced by A.
Protein change: p.Arg323Ser; replaces arginine 323 with serine.
Molecular consequence: missense variant.
Genome position (GRCh38, 1-based): chr5:177,513,816, G>T on the plus strand (C>A on the coding strand, the complement: DDX41 is on the minus strand). VCF-style: chr5-177513816-G-T. GRCh37 (hg19) VCF-style: chr5-176940817-G-T.
Other names: c.967C>A (NM_016222.2); c.589C>A, p.Arg197Ser (NM_001321732.2, NM_001321830.2); short protein forms R197S, R323S.
Identifiers: ClinVar variation 3668378 (VCV003668378.3).
Genomic context (GRCh38, chr5:177,513,816, plus strand): 5'-GGGCCAGGTAGCGACAGATGTCTAGGCTGACCATCTTCTTCTGCAGCAAATCCATGAGGC[G>T]CCCCGGGGTGGCCACCATCATGTGTACACCGCTGGGGACCAAGGAGAGACCCTGAGGTTG-3'
Protein context (NP_057306.2, residues 313-333): GVHMMVATPG[Arg323Ser]LMDLLQKKMV

ClinVar aggregate classification (germline): Uncertain significance. Review status: criteria provided, multiple submitters, no conflicts (2 of 4 stars). 2 submissions from 2 submitters: Uncertain significance (2). Last evaluated 2025-07-10.

Conditions:
Inborn genetic diseases. Identifiers: MedGen C0950123, MeSH D030342.

Submissions (2):

Ambry Genetics
Classification: Uncertain significance for Inborn genetic diseases. Last evaluated: 2025-07-10. Review status: criteria provided, single submitter. Criteria: Ambry Variant Classification Scheme 2023. Collection method: clinical testing. Allele origin: germline.
Comment: The p.R323S variant (also known as c.967C>A), located in coding exon 10 of the DDX41 gene, results from a C to A substitution at nucleotide position 967. The arginine at codon 323 is replaced by serine, an amino acid with dissimilar properties. This amino acid position is highly conserved in available vertebrate species. In addition, this alteration is predicted to be deleterious by in silico analysis. Based on the available evidence, the clinical significance of this variant remains unclear.

Labcorp Genetics (formerly Invitae), Labcorp
Classification: Uncertain significance. Last evaluated: 2024-04-18. Review status: criteria provided, single submitter. Criteria: Invitae Variant Classification Sherloc (09022015). Collection method: clinical testing. Allele origin: germline.
Comment: This sequence change replaces arginine, which is basic and polar, with serine, which is neutral and polar, at codon 323 of the DDX41 protein (p.Arg323Ser). This variant is not present in population databases (gnomAD no frequency). This variant has not been reported in the literature in individuals affected with DDX41-related conditions. An algorithm developed to predict the effect of missense changes on protein structure and function (PolyPhen-2) suggests that this variant is likely to be disruptive. In summary, the available evidence is currently insufficient to determine the role of this variant in disease. Therefore, it has been classified as a Variant of Uncertain Significance.